The following is an entry in ClinVar:

ClinVar aggregate classification (germline): Uncertain significance (1 of 4 stars; one submission).

Conditions:
Intellectual disability, autosomal dominant 24 (VSVS). Also called: VULTO-VAN SILFHOUT-DE VRIES SYNDROME. Identifiers: MedGen C4014414, MONDO:0014357, OMIM 615828.

Submission:

3billion
Classification: Uncertain significance for Intellectual disability, autosomal dominant 24. Last evaluated: 2023-09-10. Review status: criteria provided, single submitter. Criteria: ACMG Guidelines, 2015. Collection method: clinical testing. Allele origin: germline. Affected: yes.
Comment: The variant is not observed in the gnomAD v2.1.1 dataset. Predicted Consequence/Location: Missense variant In silico tool predictions suggest damaging effect of the variant on gene or gene product [REVEL: 0.70 (>=0.6, sensitivity 0.68 and specificity 0.92); 3Cnet: 0.97 (>=0.6, sensitivity 0.72 and precision 0.9)]. Therefore, this variant is classified as VUS according to the recommendation of ACMG/AMP guideline.

NM_021008.4(DEAF1):c.616C>G (p.Arg206Gly)

Gene: DEAF1 (DEAF1 transcription factor; minus strand). Cytogenetic location: 11p15.5.
Variant type: single nucleotide variant.
Coding change: c.616C>G on transcript NM_021008.4 (MANE Select); coding-DNA position 616, C replaced by G.
Protein change: p.Arg206Gly; replaces arginine 206 with glycine.
Molecular consequence: missense variant. On other transcripts: 5 prime UTR variant (1).
Genome position (GRCh38, 1-based): chr11:687,959, G>C on the plus strand (C>G on the coding strand, the complement: DEAF1 is on the minus strand). VCF-style: chr11-687959-G-C. GRCh37 (hg19) VCF-style: chr11-687959-G-C.
Other names: c.616C>G, p.Arg206Gly (NM_001293634.2); c.-111C>G (NM_001367390.1); short protein forms R206G.
Identifiers: ClinVar variation 3775407 (VCV003775407.1).